The following is an entry in ClinVar:

NM_000346.4(SOX9):c.849C>T (p.Ile283=)

Gene: SOX9 (SRY-box transcription factor 9; plus strand). Cytogenetic location: 17q24.3.
Variant type: single nucleotide variant.
Coding change: c.849C>T on transcript NM_000346.4 (MANE Select); coding-DNA position 849, C replaced by T.
Protein change: p.Ile283=; no amino-acid change (isoleucine 283 retained).
Molecular consequence: synonymous variant.
Genome position (GRCh38, 1-based): chr17:72,123,706, C>T. VCF-style: chr17-72123706-C-T. GRCh37 (hg19) VCF-style: chr17-70119847-C-T.
Identifiers: ClinVar variation 4823616 (VCV004823616.4).

ClinVar aggregate classification (germline): Likely benign (1 of 4 stars; one submission).

Submission:

CeGaT Center for Human Genetics Tuebingen
Classification: Likely benign. Last evaluated: 2026-03-01. Review status: criteria provided, single submitter. Criteria: CeGaT Center For Human Genetics Tuebingen Variant Classification Criteria Version 2. Collection method: clinical testing. Allele origin: germline. Affected: yes. Observed: 1 variant allele.
Comment: SOX9: BP4, BP7